The following is an entry in ClinVar:

NM_002661.5(PLCG2):c.1775T>C (p.Met592Thr)

Gene: PLCG2 (phospholipase C gamma 2; plus strand). Cytogenetic location: 16q23.3.
Variant type: single nucleotide variant.
Coding change: c.1775T>C on transcript NM_002661.5 (MANE Select); coding-DNA position 1775, T replaced by C.
Protein change: p.Met592Thr; replaces methionine 592 with threonine.
Molecular consequence: missense variant.
Genome position (GRCh38, 1-based): chr16:81,910,561, T>C. VCF-style: chr16-81910561-T-C. GRCh37 (hg19) VCF-style: chr16-81944166-T-C.
Other names: short protein forms M592T.
Identifiers: ClinVar variation 1056578 (VCV001056578.10), dbSNP rs1555519696, ClinGen allele CA396900854.

ClinVar aggregate classification (germline): Uncertain significance (1 of 4 stars; one submission).

Conditions:
Familial cold autoinflammatory syndrome 3 (FCAS3). Also called: FAMILIAL ATYPICAL COLD URTICARIA; ANTIBODY DEFICIENCY AND IMMUNE DYSREGULATION, PLCG2-ASSOCIATED. Identifiers: Orphanet 300359, MedGen C3280914, MONDO:0013766, OMIM 614468.

Allele frequency attached by ClinVar (database versions not stated): gnomAD exomes below 0.00001.
gnomAD v4.1: 3 of 1,614,122 alleles (0.00019%); highest among the groups gnomAD compares: South Asian, 0.0011%; no homozygotes.

Submission:

Labcorp Genetics (formerly Invitae), Labcorp
Classification: Uncertain significance for Familial cold autoinflammatory syndrome 3. Last evaluated: 2025-03-18. Review status: criteria provided, single submitter. Criteria: Invitae Variant Classification Sherloc (09022015). Collection method: clinical testing. Allele origin: germline.
Comment: This sequence change replaces methionine, which is neutral and non-polar, with threonine, which is neutral and polar, at codon 592 of the PLCG2 protein (p.Met592Thr). This variant is not present in population databases (gnomAD no frequency). This variant has not been reported in the literature in individuals affected with PLCG2-related conditions. ClinVar contains an entry for this variant (Variation ID: 1056578). An algorithm developed to predict the effect of missense changes on protein structure and function outputs the following: PolyPhen-2: "Benign". The threonine amino acid residue is found in multiple mammalian species, which suggests that this missense change does not adversely affect protein function. In summary, the available evidence is currently insufficient to determine the role of this variant in disease. Therefore, it has been classified as a Variant of Uncertain Significance.